The following is an entry in ClinVar:

ClinVar aggregate classification (germline): Uncertain significance (1 of 4 stars; one submission).

gnomAD v4.1: 1 of 1,413,572 alleles (0.000071%); highest among the groups gnomAD compares: South Asian, 0.0017%; no homozygotes.

Submission:

GeneDx
Classification: Uncertain significance. Last evaluated: 2025-07-27. Review status: criteria provided, single submitter. Criteria: GeneDx Variant Classification Process June 2021. Collection method: clinical testing. Allele origin: germline. Affected: yes.
Comment: In silico analysis supports that this missense variant has a deleterious effect on protein structure/function; Has not been previously published as pathogenic or benign to our knowledge

NM_001378609.3(OTOGL):c.3668A>G (p.Tyr1223Cys)

Gene: OTOGL (otogelin like; plus strand). Cytogenetic location: 12q21.31.
Variant type: single nucleotide variant.
Coding change: c.3668A>G on transcript NM_001378609.3 (MANE Select); coding-DNA position 3668, A replaced by G.
Protein change: p.Tyr1223Cys; replaces tyrosine 1223 with cysteine.
Molecular consequence: missense variant.
Genome position (GRCh38, 1-based): chr12:80,318,579, A>G. VCF-style: chr12-80318579-A-G. GRCh37 (hg19) VCF-style: chr12-80712359-A-G.
Other names: c.3533A>G, p.Tyr1178Cys (NM_001368062.3); c.3668A>G, p.Tyr1223Cys (NM_001378610.3, NM_173591.7); short protein forms Y1178C, Y1223C.
Identifiers: ClinVar variation 4689981 (VCV004689981.1).